The following is an entry in ClinVar:

ClinVar aggregate classification (germline): Likely pathogenic (1 of 4 stars; one submission).

Conditions:
Alport syndrome. Also called: Hemorrhagic familial nephritis; Hemorrhagic hereditary nephritis; Congenital hereditary hematuria. Identifiers: Orphanet 63, MedGen C1567741, MONDO:0018965.

Submission:

Natera, Inc.
Classification: Likely pathogenic for Alport syndrome. Last evaluated: 2025-08-22. Review status: criteria provided, single submitter. Criteria: Natera Variant Classification Schema (03/2026). Collection method: clinical testing. Allele origin: germline.
Comment: The c.262G>A variant in COL4A3 is a missense variant predicted to cause substitution of glycine to serine at amino acid 88. This variant is rare in the general population with a frequency below the threshold expected for the associated phenotype(s). This variant is located in a functionally critical region of the protein. Computational prediction algorithms indicate this variant is likely to affect gene or protein function. Given the available evidence, this variant is classified as Likely Pathogenic.

NM_000091.5(COL4A3):c.262G>A (p.Gly88Ser)

Genes: COL4A3 (collagen type IV alpha 3 chain; plus strand), MFF-DT (MFF divergent transcript; minus strand). Cytogenetic location: 2q36.3.
Variant type: single nucleotide variant.
Coding change: c.262G>A on transcript NM_000091.5 (MANE Select); coding-DNA position 262, G replaced by A.
Protein change: p.Gly88Ser; replaces glycine 88 with serine.
Molecular consequence: missense variant.
Genome position (GRCh38, 1-based): chr2:227,244,347, G>A. VCF-style: chr2-227244347-G-A. GRCh37 (hg19) VCF-style: chr2-228109063-G-A.
Other names: short protein forms G88S.
Identifiers: ClinVar variation 4817228 (VCV004817228.1).